The following is an entry in ClinVar:

NM_001267550.2(TTN):c.107605A>G (p.Ser35869Gly)

Genes: TTN-AS1 (TTN antisense RNA 1; plus strand), TTN (titin; minus strand). Cytogenetic location: 2q31.2.
Variant type: single nucleotide variant.
Coding change: c.107605A>G on transcript NM_001267550.2 (MANE Select); coding-DNA position 107605, A replaced by G.
Protein change: p.Ser35869Gly; replaces serine 35869 with glycine.
Molecular consequence: missense variant.
Genome position (GRCh38, 1-based): chr2:178,527,521, T>C on the plus strand (A>G on the coding strand, the complement: TTN is on the minus strand). VCF-style: chr2-178527521-T-C. GRCh37 (hg19) VCF-style: chr2-179392248-T-C.
Other names: p.Ser34228Gly; c.102682A>G, p.Ser34228Gly (NM_001256850.1); c.80410A>G, p.Ser26804Gly (NM_003319.4); c.99901A>G, p.Ser33301Gly (NM_133378.4); c.80785A>G, p.Ser26929Gly (NM_133432.3); c.80986A>G, p.Ser26996Gly (NM_133437.4); short protein forms S35869G, S33301G, S34228G, S26804G, S26996G, S26929G.
Identifiers: ClinVar variation 47722 (VCV000047722.57), dbSNP rs201835888, ClinGen allele CA141780.

ClinVar aggregate classification (germline): Conflicting classifications of pathogenicity. Review status: criteria provided, conflicting classifications (1 of 4 stars). 16 submissions from 12 submitters: Uncertain significance (3); Benign (4); Likely benign (9). Last evaluated 2026-07-01.

Conditions:
TTN-related disorder. Also called: TTN-related disorders; TTN-related condition; TTN-related disease.
Cardiovascular phenotype. Identifiers: MedGen CN230736.
Autosomal recessive limb-girdle muscular dystrophy type 2J (LGMDR10). Also called: MUSCULAR DYSTROPHY, LIMB-GIRDLE, AUTOSOMAL RECESSIVE 10; Limb-girdle muscular dystrophy, type 2J. Identifiers: Orphanet 140922, MedGen C1837342, MONDO:0012127, OMIM 608807.
Dilated cardiomyopathy 1G (CMD1G). Identifiers: Orphanet 154, MedGen C1858763, MONDO:0011400, OMIM 604145.
Early-onset myopathy with fatal cardiomyopathy (CMYO5). Also called: CONGENITAL MYOPATHY 5 WITH CARDIOMYOPATHY; Salih Myopathy. Identifiers: Orphanet 289377, MedGen C2673677, MONDO:0012714, OMIM 611705. Disease mechanism: loss of function.
Myopathy, myofibrillar, 9, with early respiratory failure (MFM9). Also called: Myopathy, distal, with early respiratory failure, autosomal dominant; Hereditary myopathy with early respiratory failure; EDSTROM MYOPATHY; MYOPATHY, PROXIMAL, WITH EARLY RESPIRATORY MUSCLE INVOLVEMENT. Identifiers: Orphanet 178464, Orphanet 34521, MedGen C1863599, MONDO:0011362, OMIM 603689.
Tibial muscular dystrophy (TMD). Also called: Tibial muscular dystrophy, tardive; Udd Distal Myopathy – Tibial Muscular Dystrophy; UDD MYOPATHY. Identifiers: Orphanet 609, MedGen C1838244, MONDO:0010870, OMIM 600334.

Allele frequency attached by ClinVar (database versions not stated): gnomAD exomes 0.00009 and 0.00029; ExAC 0.00034; gnomAD 0.00100 and 0.00110; 1000 Genomes Project 0.00040; ESP Exome Variant Server 0.00092; 1000 Genomes Project 30x 0.00031; TOPMed 0.00105.
gnomAD v4.1: 290 of 1,614,054 alleles (0.018%); highest among the groups gnomAD compares: African/African-American, 0.34%; no homozygotes.

Submissions (16):

CeGaT Center for Human Genetics Tuebingen
Classification: Likely benign. Last evaluated: 2026-07-01. Review status: criteria provided, single submitter. Criteria: CeGaT Center For Human Genetics Tuebingen Variant Classification Criteria Version 2. Collection method: clinical testing. Allele origin: germline. Affected: yes. Observed: 2 variant alleles.
Comment: TTN: BS1

Labcorp Genetics (formerly Invitae), Labcorp
Classification: Likely benign for Dilated cardiomyopathy 1G; Autosomal recessive limb-girdle muscular dystrophy type 2J. Last evaluated: 2026-01-19. Review status: criteria provided, single submitter. Criteria: Invitae Variant Classification Sherloc (09022015). Collection method: clinical testing. Allele origin: germline.

PreventionGenetics, part of Exact Sciences
Classification: Likely benign for TTN-related condition. Last evaluated: 2025-04-18. Review status: criteria provided, single submitter. Criteria: ACMG Guidelines, 2015. Collection method: clinical testing. Allele origin: germline.
Comment: This variant is classified as likely benign based on ACMG/AMP sequence variant interpretation guidelines (Richards et al. 2015 PMID: 25741868, with internal and published modifications).

Molecular Diagnostic Laboratory for Inherited Cardiovascular Disease, Montreal Heart Institute
Classification: Benign. Last evaluated: 2025-04-09. Review status: criteria provided, single submitter. Criteria: ACMG Guidelines, 2015. Collection method: clinical testing. Allele origin: germline. Affected: no.

Mayo Clinic Laboratories, Mayo Clinic
Classification: Likely benign. Last evaluated: 2024-07-25. Review status: criteria provided, single submitter. Criteria: ACMG Guidelines, 2015. Collection method: clinical testing. Allele origin: germline. Observed: 3 variant alleles.
Comment: BS1, BP4

Blueprint Genetics
Classification: Likely benign. Last evaluated: 2024-02-23. Review status: criteria provided, single submitter. Criteria: ACMG Guidelines, 2015. Collection method: clinical testing. Allele origin: germline.

GeneDx
Classification: Likely benign. Last evaluated: 2020-09-28. Review status: criteria provided, single submitter. Criteria: GeneDx Variant Classification Process June 2021. Collection method: clinical testing. Allele origin: germline. Affected: yes.
Comment: This variant is associated with the following publications: (PMID: 24503780)

Women's Health and Genetics/Laboratory Corporation of America, LabCorp
Classification: Benign. Last evaluated: 2020-08-10. Review status: criteria provided, single submitter. Criteria: LabCorp Variant Classification Summary - May 2015. Collection method: clinical testing. Allele origin: germline.
Comment: Variant summary: TTN c.99901A>G (p.Ser33301Gly) results in a non-conservative amino acid change located in the M-band of the encoded protein sequence. Two of four in-silico tools predict a benign effect of the variant on protein function. The variant allele was found at a frequency of 0.00029 in 249080 control chromosomes, predominantly at a frequency of 0.0036 within the African or African-American subpopulation in the gnomAD database. The observed variant frequency within African or African-American control individuals in the gnomAD database is approximately 9 fold of the estimated maximal expected allele frequency for a pathogenic variant in TTN causing Dilated Cardiomyopathy phenotype (0.00039), strongly suggesting that the variant is a benign polymorphism found primarily in populations of African or African-American origin. Seven clinical diagnostic laboratories have submitted clinical-significance assessments for this variant to ClinVar after 2014 without evidence for independent evaluation (benign/likely benign n=6, VUS n=1). Based on the evidence outlined above, the variant was classified as benign.

Ambry Genetics
Classification: Likely benign for Cardiovascular phenotype. Last evaluated: 2019-03-29. Review status: criteria provided, single submitter. Criteria: Ambry Variant Classification Scheme 2023. Collection method: clinical testing. Allele origin: germline.

Illumina Laboratory Services, Illumina
Classification: Uncertain significance for Dilated cardiomyopathy 1G. Last evaluated: 2018-01-13. Review status: criteria provided, single submitter. Criteria: ICSL Variant Classification Criteria 13 December 2019. Collection method: clinical testing. Allele origin: germline.

Illumina Laboratory Services, Illumina
Classification: Benign for Myopathy, myofibrillar, 9, with early respiratory failure. Last evaluated: 2018-01-13. Review status: criteria provided, single submitter. Criteria: ICSL Variant Classification Criteria 13 December 2019. Collection method: clinical testing. Allele origin: germline.
Comment: This variant was observed in the ICSL laboratory as part of a predisposition screen in an ostensibly healthy population. It had not been previously curated by ICSL or reported in the Human Gene Mutation Database (HGMD: prior to June 1st, 2018), and was therefore a candidate for classification through an automated scoring system. Utilizing variant allele frequency, disease prevalence and penetrance estimates, and inheritance mode, an automated score was calculated to assess if this variant is too frequent to cause the disease. Based on the score and internal cut-off values, a variant classified as benign is not then subjected to further curation. The score for this variant resulted in a classification of benign for this disease.

Illumina Laboratory Services, Illumina
Classification: Uncertain significance for Early-onset myopathy with fatal cardiomyopathy. Last evaluated: 2018-01-13. Review status: criteria provided, single submitter. Criteria: ICSL Variant Classification Criteria 13 December 2019. Collection method: clinical testing. Allele origin: germline.

Illumina Laboratory Services, Illumina
Classification: Benign for Tibial muscular dystrophy. Last evaluated: 2018-01-13. Review status: criteria provided, single submitter. Criteria: ICSL Variant Classification Criteria 13 December 2019. Collection method: clinical testing. Allele origin: germline.
Comment: the same text as in the submission from Illumina Laboratory Services, Illumina above.

Illumina Laboratory Services, Illumina
Classification: Uncertain significance for Autosomal recessive limb-girdle muscular dystrophy type 2J. Last evaluated: 2018-01-13. Review status: criteria provided, single submitter. Criteria: ICSL Variant Classification Criteria 13 December 2019. Collection method: clinical testing. Allele origin: germline.

Eurofins Ntd Llc (ga)
Classification: Likely benign. Last evaluated: 2016-08-25. Review status: criteria provided, single submitter. Criteria: EGL Classification Definitions 2015. Collection method: clinical testing. Allele origin: germline. Observed: 2 variant alleles, 2 heterozygotes.

Laboratory for Molecular Medicine, Mass General Brigham Personalized Medicine
Classification: Likely benign. Last evaluated: 2016-06-10. Review status: criteria provided, single submitter. Criteria: LMM Criteria. Collection method: clinical testing. Allele origin: germline. Observed: 2 variant alleles.
Comment: However, this variant is not exp ected to have clinical significance because it has been identified in 0.37% (36/ 9800) of African chromosomes by the Exome Aggregation Consortium (ExAC; dbSNP rs201835888).